The following is an entry in ClinVar:

ClinVar aggregate classification (germline): Uncertain significance (1 of 4 stars; one submission).

Submission:

Labcorp Genetics (formerly Invitae), Labcorp
Classification: Uncertain significance. Last evaluated: 2022-06-13. Review status: criteria provided, single submitter. Criteria: Invitae Variant Classification Sherloc (09022015). Collection method: clinical testing. Allele origin: germline.
Comment: In summary, the available evidence is currently insufficient to determine the role of this variant in disease. Therefore, it has been classified as a Variant of Uncertain Significance. Algorithms developed to predict the effect of missense changes on protein structure and function (SIFT, PolyPhen-2, Align-GVGD) all suggest that this variant is likely to be disruptive. This variant has not been reported in the literature in individuals affected with ANGPT1-related conditions. This variant is not present in population databases (gnomAD no frequency). This sequence change replaces leucine, which is neutral and non-polar, with histidine, which is basic and polar, at codon 178 of the ANGPT1 protein (p.Leu178His).

NM_001146.5(ANGPT1):c.533T>A (p.Leu178His)

Gene: ANGPT1 (angiopoietin 1; minus strand). Cytogenetic location: 8q23.1.
Variant type: single nucleotide variant.
Coding change: c.533T>A on transcript NM_001146.5 (MANE Select); coding-DNA position 533, T replaced by A.
Protein change: p.Leu178His; replaces leucine 178 with histidine.
Molecular consequence: missense variant. On other transcripts: 5 prime UTR variant (1).
Genome position (GRCh38, 1-based): chr8:107,336,192, A>T on the plus strand (T>A on the coding strand, the complement: ANGPT1 is on the minus strand). VCF-style: chr8-107336192-A-T. GRCh37 (hg19) VCF-style: chr8-108348420-A-T.
Other names: c.533T>A, p.Leu178His (NM_001199859.3); c.-68T>A (NM_001314051.2); short protein forms L178H.
Identifiers: ClinVar variation 1474761 (VCV001474761.6), dbSNP rs2130119861, ClinGen allele CA372034528.